The following is an entry in ClinVar:

NM_198488.5(SACK1H):c.360C>T (p.Thr120=)

Gene: SACK1H (scaffolding CK1 anchoring protein H; minus strand). Cytogenetic location: 8q24.3.
Variant type: single nucleotide variant.
Coding change: c.360C>T on transcript NM_198488.5 (MANE Select); coding-DNA position 360, C replaced by T.
Protein change: p.Thr120=; no amino-acid change (threonine 120 retained).
Molecular consequence: synonymous variant.
Genome position (GRCh38, 1-based): chr8:143,730,223, G>A on the plus strand (C>T on the coding strand, the complement: SACK1H is on the minus strand). VCF-style: chr8-143730223-G-A. GRCh37 (hg19) VCF-style: chr8-144812393-G-A.
Identifiers: ClinVar variation 5040967 (VCV005040967.1).
Genomic context (GRCh38, chr8:143,730,223, plus strand): 5'-GGCCTCATCCTTGATACTGGGGCTGTCGGGGGGCGGTGGCTGCACCAAGGTGGTCACCTC[G>A]GTGCCCTGGAAGCCGAAGGTCAGAGGCCAGCCCAAATCAAGCTCAGGCACGGCCTGGTCT-3'
Protein context (NP_940890.4, residues 110-130): GWPLTFGFQG[Thr120=]EVTTLVQPPP

ClinVar aggregate classification (germline): Likely benign (1 of 4 stars; one submission).

gnomAD v4.1: 302 of 1,613,240 alleles (0.019%); highest among the groups gnomAD compares: Non-Finnish European, 0.024%; 1 homozygote.

Submission:

CeGaT Center for Human Genetics Tuebingen
Classification: Likely benign. Last evaluated: 2026-09-01. Review status: criteria provided, single submitter. Criteria: CeGaT Center For Human Genetics Tuebingen Variant Classification Criteria Version 2. Collection method: clinical testing. Allele origin: germline. Affected: yes. Observed: 1 variant allele.
Comment: SACK1H: BP4, BP7